The following is an entry in ClinVar:

NM_020812.4(DOCK6):c.397G>A (p.Ala133Thr)

Gene: DOCK6 (dedicator of cytokinesis 6; minus strand). Cytogenetic location: 19p13.2.
Variant type: single nucleotide variant.
Coding change: c.397G>A on transcript NM_020812.4 (MANE Select); coding-DNA position 397, G replaced by A.
Protein change: p.Ala133Thr; replaces alanine 133 with threonine.
Molecular consequence: missense variant.
Genome position (GRCh38, 1-based): chr19:11,252,229, C>T on the plus strand (G>A on the coding strand, the complement: DOCK6 is on the minus strand). VCF-style: chr19-11252229-C-T. GRCh37 (hg19) VCF-style: chr19-11362905-C-T.
Other names: c.397G>A, p.Ala133Thr (NM_001367830.1); c.397G>A (NM_020812.2); short protein forms A133T.
Identifiers: ClinVar variation 3052244 (VCV003052244.5), dbSNP rs757564101, ClinGen allele CA305348586.

ClinVar aggregate classification (germline): Uncertain significance. Review status: criteria provided, multiple submitters, no conflicts (2 of 4 stars). 3 submissions from 3 submitters: Uncertain significance (2). 1 of the submissions does not count toward it. Last evaluated 2026-05-26.

Conditions:
DOCK6-related disorder. Also called: DOCK6-related condition.
Inborn genetic diseases. Identifiers: MedGen C0950123, MeSH D030342.

Allele frequency attached by ClinVar (database versions not stated): gnomAD 0.00002; gnomAD exomes 0.00001; TOPMed 0.00002.
gnomAD v4.1: 17 of 1,584,196 alleles (0.0011%); highest among the groups gnomAD compares: Admixed American, 0.0092%; no homozygotes.

Submissions (3):

Ambry Genetics
Classification: Uncertain significance for Inborn genetic diseases. Last evaluated: 2026-05-26. Review status: criteria provided, single submitter. Criteria: Ambry Variant Classification Scheme 2023. Collection method: clinical testing. Allele origin: germline.

Labcorp Genetics (formerly Invitae), Labcorp
Classification: Uncertain significance. Last evaluated: 2024-08-11. Review status: criteria provided, single submitter. Criteria: Invitae Variant Classification Sherloc (09022015). Collection method: clinical testing. Allele origin: germline.
Comment: This sequence change replaces alanine, which is neutral and non-polar, with threonine, which is neutral and polar, at codon 133 of the DOCK6 protein (p.Ala133Thr). The frequency data for this variant in the population databases is considered unreliable, as metrics indicate poor data quality at this position in the gnomAD database. This variant has not been reported in the literature in individuals affected with DOCK6-related conditions. An algorithm developed to predict the effect of missense changes on protein structure and function (PolyPhen-2) suggests that this variant is likely to be tolerated. In summary, the available evidence is currently insufficient to determine the role of this variant in disease. Therefore, it has been classified as a Variant of Uncertain Significance.

PreventionGenetics, part of Exact Sciences
Classification: Uncertain significance for DOCK6-related condition. Last evaluated: 2024-02-07. Review status: no assertion criteria provided. Collection method: clinical testing. Allele origin: germline. Not counted in ClinVar's aggregate classification.
Comment: The DOCK6 c.397G>A variant is predicted to result in the amino acid substitution p.Ala133Thr. To our knowledge, this variant has not been reported in the literature. This variant is reported in 0.011% of alleles in individuals of Latino descent in gnomAD. At this time, the clinical significance of this variant is uncertain due to the absence of conclusive functional and genetic evidence.